The following is an entry in ClinVar:

NM_001082971.2(DDC):c.202-3C>T

Genes: DDC (dopa decarboxylase; minus strand), DDC-AS1 (DDC antisense RNA 1; plus strand). Cytogenetic location: 7p12.1.
Variant type: single nucleotide variant.
Coding change: c.202-3C>T on transcript NM_001082971.2 (MANE Select); 3 bases into the intron before coding-DNA position 202, C replaced by T.
Molecular consequence: intron variant. On other transcripts: non-coding transcript variant (1).
Genome position (GRCh38, 1-based): chr7:50,540,031, G>A on the plus strand (C>T on the coding strand, the complement: DDC is on the minus strand). VCF-style: chr7-50540031-G-A. GRCh37 (hg19) VCF-style: chr7-50607729-G-A.
Other names: c.201+3854C>T (NM_001242888.2); c.202-2052C>T (NM_001242886.2); c.202-3C>T (NM_001242889.2, NM_001242887.2, NM_000790.4 and 1 more transcripts).
Identifiers: ClinVar variation 1476768 (VCV001476768.5), dbSNP rs199573720, ClinGen allele CA4262448.

ClinVar aggregate classification (germline): Uncertain significance (1 of 4 stars; one submission).

Conditions:
Deficiency of aromatic-L-amino-acid decarboxylase. Also called: Aromatic L-Amino Acid Decarboxylase Deficiency; AADC DEFICIENCY; DDC DEFICIENCY; DOPA DECARBOXYLASE DEFICIENCY; Aromatic amino acid decarboxylase deficiency. Identifiers: Orphanet 35708, MedGen C1291564, MONDO:0012084, OMIM 608643.

Allele frequency attached by ClinVar (database versions not stated): gnomAD exomes 0.00002 and 0.00003; ExAC 0.00003; gnomAD 0.00007; TOPMed 0.00007; ESP Exome Variant Server 0.00023.
gnomAD v4.1: 51 of 1,608,452 alleles (0.0032%); highest among the groups gnomAD compares: African/African-American, 0.0053%; no homozygotes.

Submission:

Labcorp Genetics (formerly Invitae), Labcorp
Classification: Uncertain significance for Deficiency of aromatic-L-amino-acid decarboxylase. Last evaluated: 2022-03-14. Review status: criteria provided, single submitter. Criteria: Invitae Variant Classification Sherloc (09022015). Collection method: clinical testing. Allele origin: germline.
Comment: This sequence change falls in intron 2 of the DDC gene. It does not directly change the encoded amino acid sequence of the DDC protein. It affects a nucleotide within the consensus splice site. This variant is present in population databases (rs199573720, gnomAD 0.004%). This variant has not been reported in the literature in individuals affected with DDC-related conditions. Variants that disrupt the consensus splice site are a relatively common cause of aberrant splicing (PMID: 17576681, 9536098). Algorithms developed to predict the effect of sequence changes on RNA splicing suggest that this variant is not likely to affect RNA splicing. In summary, the available evidence is currently insufficient to determine the role of this variant in disease. Therefore, it has been classified as a Variant of Uncertain Significance.

Literature cited by the submitters: PubMed 17576681; PubMed 9536098.